The following is an entry in ClinVar:

ClinVar aggregate classification (germline): Pathogenic/Likely pathogenic. Review status: criteria provided, multiple submitters, no conflicts (2 of 4 stars). 4 submissions from 4 submitters: Pathogenic (1); Likely pathogenic (3). Last evaluated 2025-12-19.

Conditions:
Hyperekplexia 1 (STHE). Also called: EXAGGERATED STARTLE REACTION; KOK DISEASE; HYPEREKPLEXIA 1, AUTOSOMAL DOMINANT; HYPEREKPLEXIA 1, AUTOSOMAL RECESSIVE; STARTLE DISEASE, FAMILIAL; STIFF-BABY SYNDROME. Identifiers: Orphanet 3197, MedGen C4551954, MONDO:0007868, OMIM 149400.
Hereditary hyperekplexia. Identifiers: Orphanet 3197, MedGen C4084968, MONDO:0021022.

Allele frequency attached by ClinVar (database versions not stated): gnomAD 0.00001.
gnomAD v4.1: 11 of 1,613,764 alleles (0.00068%); highest among the groups gnomAD compares: East Asian, 0.0022%; no homozygotes.

Submissions (4):

Labcorp Genetics (formerly Invitae), Labcorp
Classification: Pathogenic for Hereditary hyperekplexia. Last evaluated: 2025-12-19. Review status: criteria provided, single submitter. Criteria: Invitae Variant Classification Sherloc (09022015). Collection method: clinical testing. Allele origin: germline.
Comment: This sequence change replaces threonine, which is neutral and polar, with methionine, which is neutral and non-polar, at codon 190 of the GLRA1 protein (p.Thr190Met). This variant is present in population databases (rs781570584, gnomAD 0.007%). This missense change has been observed in individuals with clinical features of autosomal recessive hyperekplexia (PMID: 25568133, 28985719; internal data). ClinVar contains an entry for this variant (Variation ID: 948005). Invitae Evidence Modeling of protein sequence and biophysical properties (such as structural, functional, and spatial information, amino acid conservation, physicochemical variation, residue mobility, and thermodynamic stability) indicates that this missense variant is expected to disrupt GLRA1 protein function with a positive predictive value of 80%. Experimental studies have shown that this missense change affects GLRA1 function (PMID: 25568133, 26733802). For these reasons, this variant has been classified as Pathogenic.

Revvity Omics, Revvity
Classification: Likely pathogenic for Hyperekplexia 1. Last evaluated: 2023-07-19. Review status: criteria provided, single submitter. Criteria: ACMG Guidelines, 2015. Collection method: clinical testing. Allele origin: germline.

Fulgent Genetics
Classification: Likely pathogenic for Hyperekplexia 1. Last evaluated: 2022-04-06. Review status: criteria provided, single submitter. Criteria: ACMG Guidelines, 2015. Collection method: clinical testing. Allele origin: unknown.

Institute of Medical Genetics and Applied Genomics, University Hospital Tübingen
Classification: Likely pathogenic. Last evaluated: 2020-10-23. Review status: criteria provided, single submitter. Criteria: ACMG Guidelines, 2015. Collection method: clinical testing. Allele origin: germline. Inheritance: Autosomal unknown. Affected: yes.

Literature cited by the submitters: PubMed 25568133 (cited by Labcorp Genetics (formerly Invitae), Labcorp); PubMed 28985719 (cited by Labcorp Genetics (formerly Invitae), Labcorp); PubMed 26733802 (cited by Labcorp Genetics (formerly Invitae), Labcorp).

NM_000171.4(GLRA1):c.569C>T (p.Thr190Met)

Gene: GLRA1 (glycine receptor alpha 1; minus strand). Cytogenetic location: 5q33.1.
Variant type: single nucleotide variant.
Coding change: c.569C>T on transcript NM_000171.4 (MANE Select); coding-DNA position 569, C replaced by T.
Protein change: p.Thr190Met; replaces threonine 190 with methionine.
Molecular consequence: missense variant.
Genome position (GRCh38, 1-based): chr5:151,855,168, G>A on the plus strand (C>T on the coding strand, the complement: GLRA1 is on the minus strand). VCF-style: chr5-151855168-G-A. GRCh37 (hg19) VCF-style: chr5-151234729-G-A.
Other names: c.569C>T, p.Thr190Met (NM_001146040.2); c.320C>T, p.Thr107Met (NM_001292000.2); short protein forms T107M, T190M.
Identifiers: ClinVar variation 948005 (VCV000948005.12), dbSNP rs781570584, ClinGen allele CA3523647.